The following is an entry in ClinVar:

NM_022841.7(RFX7):c.2674G>A (p.Val892Met)

Gene: RFX7 (regulatory factor X7; minus strand). Cytogenetic location: 15q21.3.
Variant type: single nucleotide variant.
Coding change: c.2674G>A on transcript NM_022841.7 (MANE Select); coding-DNA position 2674, G replaced by A.
Protein change: p.Val892Met; replaces valine 892 with methionine.
Molecular consequence: missense variant.
Genome position (GRCh38, 1-based): chr15:56,095,054, C>T on the plus strand (G>A on the coding strand, the complement: RFX7 is on the minus strand). VCF-style: chr15-56095054-C-T. GRCh37 (hg19) VCF-style: chr15-56387252-C-T.
Other names: c.2383G>A, p.Val795Met (NM_001368073.2, NM_001368074.1, NM_001370554.1); c.2674G>A, p.Val892Met (NM_001370561.1); short protein forms V795M, V892M.
Identifiers: ClinVar variation 2429645 (VCV002429645.3), dbSNP rs780705786, ClinGen allele CA392578591.

ClinVar aggregate classification (germline): Likely benign (1 of 4 stars; one submission).

Allele frequency attached by ClinVar (database versions not stated): TOPMed below 0.00001.

Submission:

GeneDx
Classification: Likely benign. Last evaluated: 2023-08-29. Review status: criteria provided, single submitter. Criteria: GeneDx Variant Classification Process June 2021. Collection method: clinical testing. Allele origin: germline. Affected: yes.
Comment: See Variant Classification Assertion Criteria.